The following is an entry in ClinVar:

ClinVar aggregate classification (germline): Uncertain significance. Review status: criteria provided, multiple submitters, no conflicts (2 of 4 stars). 3 submissions from 3 submitters: Uncertain significance (3). Last evaluated 2025-06-13.

Conditions:
3M syndrome 1. Also called: 3-M Syndrome, CUL7-Related. Identifiers: Orphanet 2616, MedGen C2678312, MONDO:0010117, OMIM 273750.

gnomAD v4.1: 43 of 1,613,936 alleles (0.0027%); highest among the groups gnomAD compares: Non-Finnish European, 0.0033%; no homozygotes.

Submissions (3):

GeneDx
Classification: Uncertain significance. Last evaluated: 2025-06-13. Review status: criteria provided, single submitter. Criteria: GeneDx Variant Classification Process June 2021. Collection method: clinical testing. Allele origin: germline. Affected: yes.
Comment: Not observed at significant frequency in large population cohorts (gnomAD); In silico analysis supports a deleterious effect on splicing; Has not been previously published as pathogenic or benign to our knowledge

Laboratorio de Genetica e Diagnostico Molecular, Hospital Israelita Albert Einstein
Classification: Uncertain significance for 3M syndrome 1. Last evaluated: 2025-01-28. Review status: criteria provided, single submitter. Criteria: ACMG Guidelines, 2015. Collection method: clinical testing. Allele origin: germline. Affected: yes.
Comment: ACMG classification criteria: PM2 supporting, PP3 supporting

Labcorp Genetics (formerly Invitae), Labcorp
Classification: Uncertain significance. Last evaluated: 2024-11-19. Review status: criteria provided, single submitter. Criteria: Invitae Variant Classification Sherloc (09022015). Collection method: clinical testing. Allele origin: germline.
Comment: This sequence change affects codon 1039 of the CUL7 mRNA. It is a 'silent' change, meaning that it does not change the encoded amino acid sequence of the CUL7 protein. This variant is present in population databases (rs771343542, gnomAD 0.0009%). This variant has not been reported in the literature in individuals affected with CUL7-related conditions. Algorithms developed to predict the effect of sequence changes on RNA splicing suggest that this variant may disrupt the consensus splice site. In summary, the available evidence is currently insufficient to determine the role of this variant in disease. Therefore, it has been classified as a Variant of Uncertain Significance.

NM_014780.5(CUL7):c.3117C>T (p.Gly1039=)

Gene: CUL7 (cullin 7; minus strand). Cytogenetic location: 6p21.1.
Variant type: single nucleotide variant.
Coding change: c.3117C>T on transcript NM_014780.5 (MANE Select); coding-DNA position 3117, C replaced by T.
Protein change: p.Gly1039=; no amino-acid change (glycine 1039 retained).
Molecular consequence: synonymous variant.
Genome position (GRCh38, 1-based): chr6:43,044,807, G>A on the plus strand (C>T on the coding strand, the complement: CUL7 is on the minus strand). VCF-style: chr6-43044807-G-A. GRCh37 (hg19) VCF-style: chr6-43012545-G-A.
Other names: c.3213C>T, p.Gly1071= (NM_001168370.2, NM_001374872.1); c.3117C>T, p.Gly1039= (NM_001374873.1, NM_001374874.1); c.3117C>T (NM_014780.4).
Identifiers: ClinVar variation 3607736 (VCV003607736.4).